The following is an entry in ClinVar:

NM_002294.3(LAMP2):c.64+4delinsGT

Gene: LAMP2 (lysosomal associated membrane protein 2; minus strand). Cytogenetic location: Xq24.
Variant type: Indel.
Coding change: c.64+4delinsGT on transcript NM_002294.3 (MANE Select); 4 bases into the intron after coding-DNA position 64, A replaced by GT.
Molecular consequence: intron variant.
Genome position (GRCh38, 1-based): chrX:120,469,102, T replaced by AC on the plus strand (A replaced by GT on the coding strand, the reverse complement: LAMP2 is on the minus strand). VCF-style: chrX-120469102-T-AC. GRCh37 (hg19) VCF-style: chrX-119602957-T-AC.
Other names: c.64+4delinsGT (NM_001122606.1, NM_013995.2); c.64+4delAinsGT (NM_002294.2).
Identifiers: ClinVar variation 520366 (VCV000520366.5), dbSNP rs1556123906, ClinGen allele CA658799853.

ClinVar aggregate classification (germline): Pathogenic (1 of 4 stars; one submission).

Conditions:
Cardiovascular phenotype. Identifiers: MedGen CN230736.

Submission:

Ambry Genetics
Classification: Pathogenic for Cardiovascular phenotype. Last evaluated: 2019-09-28. Review status: criteria provided, single submitter. Criteria: Ambry Variant Classification Scheme 2023. Collection method: clinical testing. Allele origin: germline.
Comment: The c.64+4delAinsGT intronic pathogenic mutation results from the deletion of one nucleotide and insertion of two nucleotides at a position four nucleotides after coding exon 1 in the LAMP2 gene. RNA studies have demonstrated that this variant results in abnormal splicing in the set of samples tested (Ambry internal data). This variant was not reported in population-based cohorts in the Genome Aggregation Database (gnomAD). Based on the supporting evidence, this alteration is interpreted as a disease-causing mutation.